The following is an entry in ClinVar:

NM_138927.4(SON):c.1171A>G (p.Met391Val)

Gene: SON (SON DNA and RNA binding protein; plus strand). Cytogenetic location: 21q22.11.
Variant type: single nucleotide variant.
Coding change: c.1171A>G on transcript NM_138927.4 (MANE Select); coding-DNA position 1171, A replaced by G.
Protein change: p.Met391Val; replaces methionine 391 with valine.
Molecular consequence: missense variant. On other transcripts: non-coding transcript variant (1), intron variant (1).
Genome position (GRCh38, 1-based): chr21:33,550,402, A>G. VCF-style: chr21-33550402-A-G. GRCh37 (hg19) VCF-style: chr21-34922708-A-G.
Other names: c.1171A>G, p.Met391Val (NM_001291411.2, NM_001412133.1, NM_032195.3 and 2 more transcripts); c.244+4023A>G (NM_001291412.3); short protein forms M391V.
Identifiers: ClinVar variation 2071386 (VCV002071386.29), dbSNP rs376376408, ClinGen allele CA10008837.

ClinVar aggregate classification (germline): Benign/Likely benign. Review status: criteria provided, multiple submitters, no conflicts (2 of 4 stars). 3 submissions from 3 submitters: Benign (1); Likely benign (2). Last evaluated 2026-03-01.

Conditions:
Inborn genetic diseases. Identifiers: MedGen C0950123, MeSH D030342.

Allele frequency attached by ClinVar (database versions not stated): gnomAD exomes 0.00005; ExAC 0.00009; ESP Exome Variant Server 0.00015; gnomAD 0.00035; TOPMed 0.00038.
gnomAD v4.1: 134 of 1,613,372 alleles (0.0083%); highest among the groups gnomAD compares: African/African-American, 0.15%; 1 homozygote.

Submissions (3):

CeGaT Center for Human Genetics Tuebingen
Classification: Likely benign. Last evaluated: 2026-03-01. Review status: criteria provided, single submitter. Criteria: CeGaT Center For Human Genetics Tuebingen Variant Classification Criteria Version 2. Collection method: clinical testing. Allele origin: germline. Affected: yes. Observed: 3 variant alleles.
Comment: SON: BP4, BS1

Labcorp Genetics (formerly Invitae), Labcorp
Classification: Benign. Last evaluated: 2025-11-03. Review status: criteria provided, single submitter. Criteria: Invitae Variant Classification Sherloc (09022015). Collection method: clinical testing. Allele origin: germline.

Ambry Genetics
Classification: Likely benign for Inborn genetic diseases. Last evaluated: 2022-11-15. Review status: criteria provided, single submitter. Criteria: Ambry Variant Classification Scheme 2023. Collection method: clinical testing. Allele origin: germline.